The following is an entry in ClinVar:

NM_001378454.1(ALMS1):c.1445A>G (p.Lys482Arg)

Gene: ALMS1 (ALMS1 centrosome and basal body associated protein; plus strand). Cytogenetic location: 2p13.1.
Variant type: single nucleotide variant.
Coding change: c.1445A>G on transcript NM_001378454.1 (MANE Select); coding-DNA position 1445, A replaced by G.
Protein change: p.Lys482Arg; replaces lysine 482 with arginine.
Molecular consequence: missense variant.
Genome position (GRCh38, 1-based): chr2:73,447,972, A>G. VCF-style: chr2-73447972-A-G. GRCh37 (hg19) VCF-style: chr2-73675102-A-G.
Other names: c.1448A>G, p.Lys483Arg (NM_015120.4); short protein forms K483R, K482R.
Identifiers: ClinVar variation 2626195 (VCV002626195.2), dbSNP rs930831783, ClinGen allele CA50390960.

ClinVar aggregate classification (germline): Uncertain significance (1 of 4 stars; one submission).

Conditions:
Cardiovascular phenotype. Identifiers: MedGen CN230736.

Allele frequency attached by ClinVar (database versions not stated): gnomAD exomes below 0.00001; TOPMed below 0.00001; gnomAD 0.00002.
gnomAD v4.1: 7 of 1,611,486 alleles (0.00043%); highest among the groups gnomAD compares: African/African-American, 0.0094%; no homozygotes.

Submission:

Ambry Genetics
Classification: Uncertain significance for Cardiovascular phenotype. Last evaluated: 2023-08-08. Review status: criteria provided, single submitter. Criteria: Ambry Variant Classification Scheme 2023. Collection method: clinical testing. Allele origin: germline.
Comment: The p.K483R variant (also known as c.1448A>G), located in coding exon 8 of the ALMS1 gene, results from an A to G substitution at nucleotide position 1448. The lysine at codon 483 is replaced by arginine, an amino acid with highly similar properties. This amino acid position is well conserved in available vertebrate species. In addition, this alteration is predicted to be tolerated by in silico analysis. Since supporting evidence is limited at this time, the clinical significance of this alteration remains unclear.